The following is an entry in ClinVar:

ClinVar aggregate classification (germline): Uncertain significance. Review status: criteria provided, multiple submitters, no conflicts (2 of 4 stars). 2 submissions from 2 submitters: Uncertain significance (2). Last evaluated 2026-01-13.

Allele frequency attached by ClinVar (database versions not stated): gnomAD exomes 0.00001; TOPMed 0.00001.
gnomAD v4.1: 12 of 1,612,324 alleles (0.00074%); highest among the groups gnomAD compares: Non-Finnish European, 0.001%; no homozygotes.

Submissions (2):

Labcorp Genetics (formerly Invitae), Labcorp
Classification: Uncertain significance. Last evaluated: 2026-01-13. Review status: criteria provided, single submitter. Criteria: Invitae Variant Classification Sherloc (09022015). Collection method: clinical testing. Allele origin: germline.
Comment: This sequence change replaces glutamic acid, which is acidic and polar, with lysine, which is basic and polar, at codon 854 of the CACNA1D protein (p.Glu854Lys). This variant is not present in population databases (gnomAD no frequency). This variant has not been reported in the literature in individuals affected with CACNA1D-related conditions. ClinVar contains an entry for this variant (Variation ID: 2915920). Invitae Evidence Modeling of protein sequence and biophysical properties (such as structural, functional, and spatial information, amino acid conservation, physicochemical variation, residue mobility, and thermodynamic stability) indicates that this missense variant is not expected to disrupt CACNA1D protein function with a negative predictive value of 80%. In summary, the available evidence is currently insufficient to determine the role of this variant in disease. Therefore, it has been classified as a Variant of Uncertain Significance.

Blueprint Genetics
Classification: Uncertain significance. Last evaluated: 2021-12-17. Review status: criteria provided, single submitter. Criteria: ACMG Guidelines, 2015. Collection method: clinical testing. Allele origin: germline.

NM_001128840.3(CACNA1D):c.2500G>A (p.Glu834Lys)

Gene: CACNA1D (calcium voltage-gated channel subunit alpha1 D; plus strand). Cytogenetic location: 3p21.1.
Variant type: single nucleotide variant.
Coding change: c.2500G>A on transcript NM_001128840.3 (MANE Select); coding-DNA position 2500, G replaced by A.
Protein change: p.Glu834Lys; replaces glutamic acid 834 with lysine.
Molecular consequence: missense variant.
Genome position (GRCh38, 1-based): chr3:53,732,841, G>A. VCF-style: chr3-53732841-G-A. GRCh37 (hg19) VCF-style: chr3-53766868-G-A.
Other names: c.2560G>A, p.Glu854Lys (NM_000720.4); c.2500G>A, p.Glu834Lys (NM_001128839.3); short protein forms E854K, E834K.
Identifiers: ClinVar variation 2915920 (VCV002915920.4), dbSNP rs902138194, ClinGen allele CA74853957.
Genomic context (GRCh38, chr3:53,732,841, plus strand): 5'-TTTCATGCCTATAAAAAAAGTATTTCATTTAAAGTAGGGGAAGAGGAAGAGGAAGAGGAG[G>A]AGGATGAACCTGAGGTTCCTGCCGGACCCCGTCCTCGAAGGATCTCGGAGTTGAACATGA-3'
Protein context (NP_001122312.1, residues 824-844): PVGEEEEEEE[Glu834Lys]DEPEVPAGPR